The following is an entry in ClinVar:

ClinVar aggregate classification (germline): Conflicting classifications of pathogenicity. Review status: criteria provided, conflicting classifications (1 of 4 stars). 3 submissions from 3 submitters: Uncertain significance (1); Benign (1); Likely benign (1). Last evaluated 2025-10-27.

Allele frequency attached by ClinVar (database versions not stated): ESP Exome Variant Server 0.00009; gnomAD exomes 0.00012 and 0.00021; TOPMed 0.00013; gnomAD 0.00015 and 0.00016; ExAC 0.00036.
gnomAD v4.1: 130 of 1,081,244 alleles (0.012%); highest among the groups gnomAD compares: Non-Finnish European, 0.015%; no homozygotes.

Submissions (3):

Labcorp Genetics (formerly Invitae), Labcorp
Classification: Uncertain significance. Last evaluated: 2025-10-27. Review status: criteria provided, single submitter. Criteria: Invitae Variant Classification Sherloc (09022015). Collection method: clinical testing. Allele origin: germline.
Comment: This sequence change replaces serine, which is neutral and polar, with proline, which is neutral and non-polar, at codon 222 of the GPR143 protein (p.Ser222Pro). This variant is present in population databases (rs149605054, gnomAD 0.04%), and has an allele count higher than expected for a pathogenic variant. This variant has not been reported in the literature in individuals affected with GPR143-related conditions. ClinVar contains an entry for this variant (Variation ID: 1446179). Invitae Evidence Modeling of protein sequence and biophysical properties (such as structural, functional, and spatial information, amino acid conservation, physicochemical variation, residue mobility, and thermodynamic stability) has been performed for this missense variant. However, the output from this modeling did not meet the statistical confidence thresholds required to predict the impact of this variant on GPR143 protein function. In summary, the available evidence is currently insufficient to determine the role of this variant in disease. Therefore, it has been classified as a Variant of Uncertain Significance.

Blueprint Genetics
Classification: Benign. Last evaluated: 2024-03-11. Review status: criteria provided, single submitter. Criteria: ACMG Guidelines, 2015. Collection method: clinical testing. Allele origin: germline.

CeGaT Center for Human Genetics Tuebingen
Classification: Likely benign. Last evaluated: 2023-03-01. Review status: criteria provided, single submitter. Criteria: CeGaT Center For Human Genetics Tuebingen Variant Classification Criteria Version 2. Collection method: clinical testing. Allele origin: germline. Affected: yes. Observed: 1 variant allele.
Comment: GPR143: BS2

NM_000273.3(GPR143):c.664T>C (p.Ser222Pro)

Gene: GPR143 (G protein-coupled receptor 143; minus strand). Cytogenetic location: Xp22.2.
Variant type: single nucleotide variant.
Coding change: c.664T>C on transcript NM_000273.3 (MANE Select); coding-DNA position 664, T replaced by C.
Protein change: p.Ser222Pro; replaces serine 222 with proline.
Molecular consequence: missense variant.
Genome position (GRCh38, 1-based): chrX:9,743,668, A>G on the plus strand (T>C on the coding strand, the complement: GPR143 is on the minus strand). VCF-style: chrX-9743668-A-G. GRCh37 (hg19) VCF-style: chrX-9711708-A-G.
Other names: short protein forms S222P.
Identifiers: ClinVar variation 1446179 (VCV001446179.30), dbSNP rs149605054, ClinGen allele CA10344961.
Genomic context (GRCh38, chrX:9,743,668, plus strand): 5'-TCACGGCTCCCATCCTCCTCTCGTTCTCCGTGTAAATGCCTTGTCTTCCTTTAAGTAAAG[A>G]GGCCACTGTGAAGAACAGAAGGAACTATGTATGGTGTTCATTATTCATGTTTACGGAGTG-3'
Protein context (NP_000264.2, residues 212-232): LFQKTVTAVA[Ser222Pro]LLKGRQGIYT